The following is an entry in ClinVar:

ClinVar aggregate classification (germline): Likely benign (1 of 4 stars; one submission).

Allele frequency attached by ClinVar (database versions not stated): TOPMed 0.00058; 1000 Genomes Project 0.00060; ESP Exome Variant Server 0.00062; 1000 Genomes Project 30x 0.00078; gnomAD exomes 0.00141; gnomAD 0.00157; ExAC 0.00213.
gnomAD v4.1: 2,315 of 1,614,036 alleles (0.14%); highest among the groups gnomAD compares: Middle Eastern, 0.86%; 12 homozygotes.

Submission:

CeGaT Center for Human Genetics Tuebingen
Classification: Likely benign. Last evaluated: 2023-02-01. Review status: criteria provided, single submitter. Criteria: CeGaT Center For Human Genetics Tuebingen Variant Classification Criteria Version 2. Collection method: clinical testing. Allele origin: germline. Affected: yes. Observed: 1 variant allele.
Comment: FRMPD1: BP4, BP7

NM_014907.3(FRMPD1):c.1527G>A (p.Ala509=)

Gene: FRMPD1 (FERM and PDZ domain containing 1; plus strand). Cytogenetic location: 9p13.2.
Variant type: single nucleotide variant.
Coding change: c.1527G>A on transcript NM_014907.3 (MANE Select); coding-DNA position 1527, G replaced by A.
Protein change: p.Ala509=; no amino-acid change (alanine 509 retained).
Molecular consequence: synonymous variant.
Genome position (GRCh38, 1-based): chr9:37,737,221, G>A. VCF-style: chr9-37737221-G-A. GRCh37 (hg19) VCF-style: chr9-37737218-G-A.
Other names: c.1527G>A, p.Ala509= (NM_001371223.1, NM_001371224.1, NM_001371225.1).
Identifiers: ClinVar variation 2659196 (VCV002659196.24), dbSNP rs72724147, ClinGen allele CA5061595.